The following is an entry in ClinVar:

NM_001267550.2(TTN):c.94283G>A (p.Arg31428His)

Genes: TTN (titin; minus strand), TTN-AS1 (TTN antisense RNA 1; plus strand). Cytogenetic location: 2q31.2.
Variant type: single nucleotide variant.
Coding change: c.94283G>A on transcript NM_001267550.2 (MANE Select); coding-DNA position 94283, G replaced by A.
Protein change: p.Arg31428His; replaces arginine 31428 with histidine.
Molecular consequence: missense variant.
Genome position (GRCh38, 1-based): chr2:178,547,242, C>T on the plus strand (G>A on the coding strand, the complement: TTN is on the minus strand). VCF-style: chr2-178547242-C-T. GRCh37 (hg19) VCF-style: chr2-179411969-C-T.
Other names: p.R29787H:CGT>CAT; p.Arg29787His; c.67088G>A, p.Arg22363His (NM_003319.4); c.86579G>A, p.Arg28860His (NM_133378.4); c.67463G>A, p.Arg22488His (NM_133432.3); c.67664G>A, p.Arg22555His (NM_133437.4); c.89360G>A, p.Arg29787His (NM_001256850.1); short protein forms R28860H, R31428H, R29787H, R22488H, R22555H, R22363H.
Identifiers: ClinVar variation 96315 (VCV000096315.62), dbSNP rs149375775, ClinGen allele CA181617.

ClinVar aggregate classification (germline): Conflicting classifications of pathogenicity. Review status: criteria provided, conflicting classifications (1 of 4 stars). 15 submissions from 15 submitters: Uncertain significance (1); Likely benign (11). 3 of the submissions do not count toward it. Last evaluated 2026-02-03.

Conditions:
TTN-related disorder. Also called: TTN-related disorders; TTN-related condition; TTN-related disease.
Cardiovascular phenotype. Identifiers: MedGen CN230736.
Dilated cardiomyopathy 1G (CMD1G). Identifiers: Orphanet 154, MedGen C1858763, MONDO:0011400, OMIM 604145.
Autosomal recessive limb-girdle muscular dystrophy type 2J (LGMDR10). Also called: Limb-girdle muscular dystrophy, type 2J; MUSCULAR DYSTROPHY, LIMB-GIRDLE, AUTOSOMAL RECESSIVE 10. Identifiers: Orphanet 140922, MedGen C1837342, MONDO:0012127, OMIM 608807.

Allele frequency attached by ClinVar (database versions not stated): ExAC 0.00028; ESP Exome Variant Server 0.00091; gnomAD 0.00094 and 0.00103; 1000 Genomes Project 0.00060; gnomAD exomes 0.00009 and 0.00021; 1000 Genomes Project 30x 0.00047; TOPMed 0.00102.
gnomAD v4.1: 276 of 1,613,786 alleles (0.017%); highest among the groups gnomAD compares: African/African-American, 0.29%; 2 homozygotes.

Submissions (15):

Labcorp Genetics (formerly Invitae), Labcorp
Classification: Likely benign for Dilated cardiomyopathy 1G; Autosomal recessive limb-girdle muscular dystrophy type 2J. Last evaluated: 2026-02-03. Review status: criteria provided, single submitter. Criteria: Invitae Variant Classification Sherloc (09022015). Collection method: clinical testing. Allele origin: germline.

Mayo Clinic Laboratories, Mayo Clinic
Classification: Likely benign. Last evaluated: 2025-10-21. Review status: criteria provided, single submitter. Criteria: ACMG Guidelines, 2015. Collection method: clinical testing. Allele origin: germline. Observed: 6 variant alleles.
Comment: BS1

CeGaT Center for Human Genetics Tuebingen
Classification: Likely benign. Last evaluated: 2025-10-01. Review status: criteria provided, single submitter. Criteria: CeGaT Center For Human Genetics Tuebingen Variant Classification Criteria Version 2. Collection method: clinical testing. Allele origin: germline. Affected: yes. Observed: 2 variant alleles.
Comment: TTN: BS1

Revvity Omics, Revvity
Classification: Uncertain significance. Last evaluated: 2025-05-16. Review status: criteria provided, single submitter. Criteria: ACMG Guidelines, 2015. Collection method: clinical testing. Allele origin: germline.

Molecular Diagnostic Laboratory for Inherited Cardiovascular Disease, Montreal Heart Institute
Classification: Likely benign. Last evaluated: 2025-04-09. Review status: criteria provided, single submitter. Criteria: ACMG Guidelines, 2015. Collection method: clinical testing. Allele origin: germline. Affected: no.

Blueprint Genetics
Classification: Likely benign. Last evaluated: 2024-08-28. Review status: criteria provided, single submitter. Criteria: ACMG Guidelines, 2015. Collection method: clinical testing. Allele origin: germline.

ARUP Laboratories, Molecular Genetics and Genomics, ARUP Laboratories
Classification: Likely benign. Last evaluated: 2023-09-28. Review status: criteria provided, single submitter. Criteria: ARUP Molecular Germline Variant Investigation Process 2024. Collection method: clinical testing. Allele origin: germline.

Women's Health and Genetics/Laboratory Corporation of America, LabCorp
Classification: Likely benign. Last evaluated: 2021-11-15. Review status: criteria provided, single submitter. Criteria: LabCorp Variant Classification Summary - May 2015. Collection method: clinical testing. Allele origin: germline.
Comment: Variant summary: TTN c.86579G>A (p.Arg28860His) results in a non-conservative amino acid change located in the A-Band region of the encoded protein sequence. Four of five in-silico tools predict a damaging effect of the variant on protein function. The variant allele was found at a frequency of 0.00021 in 248620 control chromosomes, predominantly at a frequency of 0.0024 within the African or African-American subpopulation in the gnomAD database. The observed variant frequency within African or African-American control individuals in the gnomAD database is approximately 4-fold of the estimated maximal expected allele frequency for a pathogenic variant in TTN causing Cardiomyopathy phenotype (0.00063), strongly suggesting that the variant is a benign polymorphism found primarily in populations of African or African-American origin. To our knowledge, no occurrence of c.86579G>A in individuals affected with Cardiomyopathy and no experimental evidence demonstrating its impact on protein function have been reported. Two clinical diagnostic laboratories have submitted clinical-significance assessments for this variant to ClinVar after 2014 and all laboratories classified the variant as likely benign. Based on the evidence outlined above, the variant was classified as likely benign.

Ambry Genetics
Classification: Likely benign for Cardiovascular phenotype. Last evaluated: 2018-10-04. Review status: criteria provided, single submitter. Criteria: Ambry Variant Classification Scheme 2023. Collection method: clinical testing. Allele origin: germline.

GeneDx
Classification: Likely benign. Last evaluated: 2018-02-06. Review status: criteria provided, single submitter. Criteria: GeneDx Variant Classification (06012015). Collection method: clinical testing. Allele origin: germline. Affected: yes.
Comment: This variant is considered likely benign or benign based on one or more of the following criteria: it is a conservative change, it occurs at a poorly conserved position in the protein, it is predicted to be benign by multiple in silico algorithms, and/or has population frequency not consistent with disease.

Eurofins Ntd Llc (ga)
Classification: Likely benign. Last evaluated: 2013-03-12. Review status: criteria provided, single submitter. Criteria: EGL Classification Definitions 2015. Collection method: clinical testing. Allele origin: germline. Observed: 3 variant alleles, 3 heterozygotes.

Laboratory for Molecular Medicine, Mass General Brigham Personalized Medicine
Classification: Likely benign. Last evaluated: 2012-03-19. Review status: criteria provided, single submitter. Criteria: LMM Criteria. Collection method: clinical testing. Allele origin: germline. Observed: 2 variant alleles.
Comment: Arg28860His in exon 289 of TTN: This variant is not expected to have clinical si gnificance because it has been identified in 0.3% (10/3126) of African American chromosomes by the NHLBI Exome Sequencing Project (EVS; dbSNP rs149375775). Arg28860His in exon 289 of TTN (rs149375775; allele f requency = 0.3%, 10/3126) **

PreventionGenetics, part of Exact Sciences
Classification: Likely benign for TTN-related condition. Last evaluated: 2021-04-01. Review status: no assertion criteria provided. Collection method: clinical testing. Allele origin: germline. Not counted in ClinVar's aggregate classification.
Comment: This variant is classified as likely benign based on ACMG/AMP sequence variant interpretation guidelines (Richards et al. 2015 PMID: 25741868, with internal and published modifications).

Clinical Genetics DNA and cytogenetics Diagnostics Lab, Erasmus MC, Erasmus Medical Center
Classification: Likely benign. Review status: no assertion criteria provided. Collection method: clinical testing. Allele origin: germline. Affected: yes. Study: VKGL Data-share Consensus. Not counted in ClinVar's aggregate classification.

Clinical Genetics, Academic Medical Center
Classification: Benign. Review status: no assertion criteria provided. Collection method: clinical testing. Allele origin: germline. Affected: yes. Study: VKGL Data-share Consensus. Not counted in ClinVar's aggregate classification.